The following is an entry in ClinVar:

ClinVar aggregate classification (germline): Uncertain significance (1 of 4 stars; one submission).

Conditions:
Joubert syndrome. Also called: CEREBELLOPARENCHYMAL DISORDER IV; JOUBERT-BOLTSHAUSER SYNDROME; Familial aplasia of the vermis. Identifiers: Orphanet 475, MedGen C5979921, MONDO:0018772.
Meckel-Gruber syndrome. Also called: DYSENCEPHALIA SPLANCHNOCYSTICA; GRUBER SYNDROME; Dysencephalia splachnocystica. Identifiers: Orphanet 564, MedGen C0265215, MONDO:0018921.

Submission:

Labcorp Genetics (formerly Invitae), Labcorp
Classification: Uncertain significance for Joubert syndrome; Meckel-Gruber syndrome. Last evaluated: 2023-06-13. Review status: criteria provided, single submitter. Criteria: Invitae Variant Classification Sherloc (09022015). Collection method: clinical testing. Allele origin: germline.
Comment: This sequence change replaces glutamine, which is neutral and polar, with arginine, which is basic and polar, at codon 416 of the RPGRIP1L protein (p.Gln416Arg). This variant is not present in population databases (gnomAD no frequency). This variant has not been reported in the literature in individuals affected with RPGRIP1L-related conditions. ClinVar contains an entry for this variant (Variation ID: 1371823). Advanced modeling of protein sequence and biophysical properties (such as structural, functional, and spatial information, amino acid conservation, physicochemical variation, residue mobility, and thermodynamic stability) performed at Invitae indicates that this missense variant is not expected to disrupt RPGRIP1L protein function. In summary, the available evidence is currently insufficient to determine the role of this variant in disease. Therefore, it has been classified as a Variant of Uncertain Significance.

NM_015272.5(RPGRIP1L):c.1247A>G (p.Gln416Arg)

Gene: RPGRIP1L (RPGRIP1 like; minus strand). Cytogenetic location: 16q12.2.
Variant type: single nucleotide variant.
Coding change: c.1247A>G on transcript NM_015272.5 (MANE Select); coding-DNA position 1247, A replaced by G.
Protein change: p.Gln416Arg; replaces glutamine 416 with arginine.
Molecular consequence: missense variant.
Genome position (GRCh38, 1-based): chr16:53,658,875, T>C on the plus strand (A>G on the coding strand, the complement: RPGRIP1L is on the minus strand). VCF-style: chr16-53658875-T-C. GRCh37 (hg19) VCF-style: chr16-53692787-T-C.
Other names: c.1247A>G, p.Gln416Arg (NM_001127897.4, NM_001308334.3, NM_001330538.2); short protein forms Q416R.
Identifiers: ClinVar variation 1371823 (VCV001371823.8), dbSNP rs753413251, ClinGen allele CA395920621.